The following is an entry in ClinVar:

NM_198129.4(LAMA3):c.8693A>G (p.Asn2898Ser)

Gene: LAMA3 (laminin subunit alpha 3; plus strand). Cytogenetic location: 18q11.2.
Variant type: single nucleotide variant.
Coding change: c.8693A>G on transcript NM_198129.4 (MANE Select); coding-DNA position 8693, A replaced by G.
Protein change: p.Asn2898Ser; replaces asparagine 2898 with serine.
Molecular consequence: missense variant.
Genome position (GRCh38, 1-based): chr18:23,932,276, A>G. VCF-style: chr18-23932276-A-G. GRCh37 (hg19) VCF-style: chr18-21512240-A-G.
Other names: c.3866A>G, p.Asn1289Ser (NM_000227.6); c.8525A>G, p.Asn2842Ser (NM_001127717.4); c.3698A>G, p.Asn1233Ser (NM_001127718.4); short protein forms N1289S, N2898S, N2842S, N1233S.
Identifiers: ClinVar variation 3714882 (VCV003714882.2).

ClinVar aggregate classification (germline): Uncertain significance (1 of 4 stars; one submission).

gnomAD v4.1: 41 of 1,613,934 alleles (0.0025%); highest among the groups gnomAD compares: Non-Finnish European, 0.0031%; no homozygotes.

Submission:

Labcorp Genetics (formerly Invitae), Labcorp
Classification: Uncertain significance. Last evaluated: 2024-11-05. Review status: criteria provided, single submitter. Criteria: Invitae Variant Classification Sherloc (09022015). Collection method: clinical testing. Allele origin: germline.
Comment: This sequence change replaces asparagine, which is neutral and polar, with serine, which is neutral and polar, at codon 1289 of the LAMA3 protein (p.Asn1289Ser). This variant is present in population databases (rs779888893, gnomAD 0.009%). This variant has not been reported in the literature in individuals affected with LAMA3-related conditions. Invitae Evidence Modeling of protein sequence and biophysical properties (such as structural, functional, and spatial information, amino acid conservation, physicochemical variation, residue mobility, and thermodynamic stability) indicates that this missense variant is expected to disrupt LAMA3 protein function with a positive predictive value of 80%. In summary, the available evidence is currently insufficient to determine the role of this variant in disease. Therefore, it has been classified as a Variant of Uncertain Significance.